The following is an entry in ClinVar:

ClinVar aggregate classification (germline): Uncertain significance (1 of 4 stars; one submission).

Conditions:
Hereditary cancer-predisposing syndrome. Also called: Neoplastic Syndromes, Hereditary; Tumor predisposition; Hereditary Cancer Syndrome; Hereditary neoplastic syndrome. Identifiers: Orphanet 140162, MedGen C0027672, MeSH D009386, MONDO:0015356.

Submission:

Ambry Genetics
Classification: Uncertain significance for Hereditary cancer-predisposing syndrome. Last evaluated: 2025-07-14. Review status: criteria provided, single submitter. Criteria: Ambry Variant Classification Scheme 2023. Collection method: clinical testing. Allele origin: germline.
Comment: The p.F162L variant (also known as c.486C>G), located in coding exon 4 of the RB1 gene, results from a C to G substitution at nucleotide position 486. The phenylalanine at codon 162 is replaced by leucine, an amino acid with highly similar properties. This amino acid position is conserved. In addition, this alteration is predicted to be tolerated by in silico analysis. Based on the available evidence, the clinical significance of this variant remains unclear.

NM_000321.3(RB1):c.486C>G (p.Phe162Leu)

Gene: RB1 (RB transcriptional corepressor 1; plus strand). Cytogenetic location: 13q14.2.
Variant type: single nucleotide variant.
Coding change: c.486C>G on transcript NM_000321.3 (MANE Select); coding-DNA position 486, C replaced by G.
Protein change: p.Phe162Leu; replaces phenylalanine 162 with leucine.
Molecular consequence: missense variant.
Genome position (GRCh38, 1-based): chr13:48,345,185, C>G. VCF-style: chr13-48345185-C-G. GRCh37 (hg19) VCF-style: chr13-48919321-C-G.
Other names: c.486C>G, p.Phe162Leu (NM_001407165.1, NM_001407166.1); short protein forms F162L.
Identifiers: ClinVar variation 4151198 (VCV004151198.1).